The following is an entry in ClinVar:

ClinVar aggregate classification (germline): Conflicting classifications of pathogenicity. Review status: criteria provided, conflicting classifications (1 of 4 stars). 5 submissions from 5 submitters: Uncertain significance (2); Benign (1); Likely benign (2). Last evaluated 2026-07-26.

Conditions:
Hereditary cancer-predisposing syndrome. Also called: Neoplastic Syndromes, Hereditary; Tumor predisposition; Hereditary Cancer Syndrome; Hereditary neoplastic syndrome. Identifiers: Orphanet 140162, MedGen C0027672, MeSH D009386, MONDO:0015356.
Gorlin syndrome. Also called: Basal cell nevus syndrome; Nevoid Basal Cell Carcinoma Syndrome. Identifiers: Orphanet 377, MedGen C0004779, MONDO:0007187.
PTCH1-related disorder. Also called: PTCH1-related disorders; PTCH1-related condition.

Allele frequency attached by ClinVar (database versions not stated): gnomAD exomes 0.00003 and 0.00001; ExAC 0.00004; gnomAD 0.00011; TOPMed 0.00012; ESP Exome Variant Server 0.00023.
gnomAD v4.1: 30 of 1,613,972 alleles (0.0019%); highest among the groups gnomAD compares: African/African-American, 0.028%; no homozygotes.

Submissions (5):

PreventionGenetics, part of Exact Sciences
Classification: Likely benign for PTCH1-related condition. Last evaluated: 2026-07-26. Review status: criteria provided, single submitter. Criteria: ACMG Guidelines, 2015. Collection method: clinical testing. Allele origin: germline.
Comment: This variant is classified as likely benign based on ACMG/AMP sequence variant interpretation guidelines (Richards et al. 2015 PMID: 25741868, with internal and published modifications).

Labcorp Genetics (formerly Invitae), Labcorp
Classification: Benign for Gorlin syndrome. Last evaluated: 2025-11-19. Review status: criteria provided, single submitter. Criteria: Invitae Variant Classification Sherloc (09022015). Collection method: clinical testing. Allele origin: germline.

Sema4
Classification: Uncertain significance for Hereditary cancer-predisposing syndrome. Last evaluated: 2021-07-16. Review status: criteria provided, single submitter. Criteria: Sema4 Curation Guidelines. Collection method: curation. Allele origin: germline.
Comment: The PTCH1 c.560G>A (p.Arg187His) variant has not been reported in the literature to our knowledge. It was observed in 7/24964 chromosomes of the African/African American subpopulation, with no homozygotes, in the large and broad cohorts of the Genome Aggregation Database (PMID: 32461654). The variant has been reported in ClinVar (Variation ID: 581440). Functional studies have not been performed, and in silico predictions of the variant's effect on protein function are inconclusive. The evidence is insufficient to meet ACMG/AMP criteria for classifying the variant as benign or pathogenic. Thus, the clinical significance of this variant is currently uncertain.

Ambry Genetics
Classification: Likely benign for Hereditary cancer-predisposing syndrome. Last evaluated: 2019-09-30. Review status: criteria provided, single submitter. Criteria: Ambry Variant Classification Scheme 2023. Collection method: clinical testing. Allele origin: germline.

Eurofins Ntd Llc (ga)
Classification: Uncertain significance. Last evaluated: 2018-03-12. Review status: criteria provided, single submitter. Criteria: EGL ClinVar v180209 classification definitions. Collection method: clinical testing. Allele origin: germline. Observed: 2 variant alleles, 2 heterozygotes.

NM_000264.5(PTCH1):c.560G>A (p.Arg187His)

Gene: PTCH1 (patched 1; minus strand). Cytogenetic location: 9q22.32.
Variant type: single nucleotide variant.
Coding change: c.560G>A on transcript NM_000264.5 (MANE Select); coding-DNA position 560, G replaced by A.
Protein change: p.Arg187His; replaces arginine 187 with histidine.
Molecular consequence: missense variant. On other transcripts: non-coding transcript variant (1).
Genome position (GRCh38, 1-based): chr9:95,485,709, C>T on the plus strand (G>A on the coding strand, the complement: PTCH1 is on the minus strand). VCF-style: chr9-95485709-C-T. GRCh37 (hg19) VCF-style: chr9-98247991-C-T.
Other names: c.362G>A, p.Arg121His (NM_001083602.3, NM_001354919.2); c.557G>A, p.Arg186His (NM_001083603.3); c.107G>A, p.Arg36His (NM_001083604.3, NM_001083605.3, NM_001083606.3 and 1 more transcripts); c.560G>A, p.Arg187His (NM_001354918.2); short protein forms R121H, R187H, R36H, R186H.
Identifiers: ClinVar variation 581440 (VCV000581440.16), dbSNP rs138034434, ClinGen allele CA5138923.